The following is an entry in ClinVar:

NM_002382.5(MAX):c.346C>G (p.Pro116Ala)

Gene: MAX (MYC associated transcriptional regulator X; minus strand). Cytogenetic location: 14q23.3.
Variant type: single nucleotide variant.
Coding change: c.346C>G on transcript NM_002382.5 (MANE Select); coding-DNA position 346, C replaced by G.
Protein change: p.Pro116Ala; replaces proline 116 with alanine.
Molecular consequence: missense variant. On other transcripts: 3 prime UTR variant (1), intron variant (2).
Genome position (GRCh38, 1-based): chr14:65,076,613, G>C on the plus strand (C>G on the coding strand, the complement: MAX is on the minus strand). VCF-style: chr14-65076613-G-C. GRCh37 (hg19) VCF-style: chr14-65543331-G-C.
Other names: c.157C>G, p.Pro53Ala (NM_001320415.2, NM_001407105.1, NM_001407106.1 and 1 more transcripts); c.346C>G, p.Pro116Ala (NM_001407094.1); c.319C>G, p.Pro107Ala (NM_001407095.1, NM_145112.3); c.*119C>G (NM_001407096.1, NM_001407099.1, NM_001407102.1 and 2 more transcripts); c.*135C>G (NM_001407097.1, NM_001407100.1, NM_001407101.1 and 4 more transcripts); c.238C>G, p.Pro80Ala (NM_001407098.1); c.145C>G, p.Pro49Ala (NM_001407111.1, NM_001407112.1); c.144+17095C>G (NM_001271069.2); and 1 more; short protein forms P53A, P116A, P107A, P80A, P49A.
Identifiers: ClinVar variation 662389 (VCV000662389.11), dbSNP rs1186625283, ClinGen allele CA390031831.

ClinVar aggregate classification (germline): Uncertain significance (1 of 4 stars; one submission).

Conditions:
Hereditary pheochromocytoma and paraganglioma. Also called: Hereditary paragangliomas and pheochromocytomas; Hereditary pheochromocytoma-paraganglioma; Hereditary Paraganglioma-Pheochromocytoma Syndromes. Identifiers: Orphanet 29072, MedGen C4274332, MONDO:0017366.

Allele frequency attached by ClinVar (database versions not stated): gnomAD 0.00001; TOPMed 0.00001.
gnomAD v4.1: 2 of 1,613,980 alleles (0.00012%); highest among the groups gnomAD compares: Admixed American, 0.0017%; no homozygotes.

Submission:

Labcorp Genetics (formerly Invitae), Labcorp
Classification: Uncertain significance for Hereditary pheochromocytoma and paraganglioma. Last evaluated: 2025-11-24. Review status: criteria provided, single submitter. Criteria: Invitae Variant Classification Sherloc (09022015). Collection method: clinical testing. Allele origin: germline.
Comment: This sequence change replaces proline, which is neutral and non-polar, with alanine, which is neutral and non-polar, at codon 116 of the MAX protein (p.Pro116Ala). The frequency data for this variant in the population databases is considered unreliable, as metrics indicate poor data quality at this position in the gnomAD database. This variant has not been reported in the literature in individuals affected with MAX-related conditions. ClinVar contains an entry for this variant (Variation ID: 662389). Invitae Evidence Modeling incorporating data from in vitro experimental studies (internal data) indicates that this missense variant is not expected to disrupt MAX function with a negative predictive value of 95%. In summary, the available evidence is currently insufficient to determine the role of this variant in disease. Therefore, it has been classified as a Variant of Uncertain Significance.